The following is an entry in ClinVar:

NM_000553.6(WRN):c.504+3A>G

Gene: WRN (WRN RecQ like helicase; plus strand). Cytogenetic location: 8p12.
Variant type: single nucleotide variant.
Coding change: c.504+3A>G on transcript NM_000553.6 (MANE Select); 3 bases into the intron after coding-DNA position 504, A replaced by G.
Molecular consequence: intron variant.
Genome position (GRCh38, 1-based): chr8:31,065,066, A>G. VCF-style: chr8-31065066-A-G. GRCh37 (hg19) VCF-style: chr8-30922582-A-G.
Identifiers: ClinVar variation 642920 (VCV000642920.3), dbSNP rs1585409315, ClinGen allele CA915945632.

ClinVar aggregate classification (germline): Uncertain significance (1 of 4 stars; one submission).

Conditions:
Werner syndrome (WRN). Identifiers: Orphanet 902, MedGen C0043119, MONDO:0010196, OMIM 277700.

Submission:

Labcorp Genetics (formerly Invitae), Labcorp
Classification: Uncertain significance for Werner syndrome. Last evaluated: 2018-10-25. Review status: criteria provided, single submitter. Criteria: Invitae Variant Classification Sherloc (09022015). Collection method: clinical testing. Allele origin: germline.
Comment: In summary, the available evidence is currently insufficient to determine the role of this variant in disease. Therefore, it has been classified as a Variant of Uncertain Significance. Nucleotide substitutions within the consensus splice site are a relatively common cause of aberrant splicing (PMID: 17576681, 9536098). Algorithms developed to predict the effect of sequence changes on RNA splicing suggest that this variant may disrupt the consensus splice site, but this prediction has not been confirmed by published transcriptional studies. This variant has not been reported in the literature in individuals with WRN-related disease. This variant is not present in population databases (ExAC no frequency). This sequence change falls in intron 5 of the WRN gene. It does not directly change the encoded amino acid sequence of the WRN protein, but it affects a nucleotide within the consensus splice site of the intron.

Literature cited by the submitters: PubMed 17576681; PubMed 9536098.